The following is an entry in ClinVar:

NM_018100.4(EFHC1):c.457C>T (p.Arg153Trp)

Gene: EFHC1 (EF-hand domain containing 1; plus strand). Cytogenetic location: 6p12.2.
Variant type: single nucleotide variant.
Coding change: c.457C>T on transcript NM_018100.4 (MANE Select); coding-DNA position 457, C replaced by T.
Protein change: p.Arg153Trp; replaces arginine 153 with tryptophan.
Molecular consequence: missense variant. On other transcripts: non-coding transcript variant (1).
Genome position (GRCh38, 1-based): chr6:52,438,475, C>T. VCF-style: chr6-52438475-C-T. GRCh37 (hg19) VCF-style: chr6-52303273-C-T.
Other names: c.400C>T, p.Arg134Trp (NM_001172420.2); short protein forms R153W, R134W.
Identifiers: ClinVar variation 846571 (VCV000846571.11), dbSNP rs373625101, ClinGen allele CA3855744.

ClinVar aggregate classification (germline): Uncertain significance (1 of 4 stars; one submission).

Conditions:
Absence seizure. Also called: Absence epilepsy. Identifiers: Orphanet 1941, MedGen C0014553.
Myoclonic epilepsy, juvenile, susceptibility to, 1. Also called: Myoclonic Epilepsy, Juvenile, 1; EJM1. Identifiers: MedGen C1850778, MONDO:0020752, OMIM 254770.

Allele frequency attached by ClinVar (database versions not stated): TOPMed 0.00003; gnomAD exomes 0.00004 and 0.00010; gnomAD 0.00005 and 0.00006; ExAC 0.00006; ESP Exome Variant Server 0.00008.
gnomAD v4.1: 146 of 1,613,812 alleles (0.009%); highest among the groups gnomAD compares: Non-Finnish European, 0.011%; no homozygotes.

Submission:

Labcorp Genetics (formerly Invitae), Labcorp
Classification: Uncertain significance for Myoclonic epilepsy, juvenile, susceptibility to, 1; Absence seizure. Last evaluated: 2023-02-10. Review status: criteria provided, single submitter. Criteria: Invitae Variant Classification Sherloc (09022015). Collection method: clinical testing. Allele origin: germline.
Comment: In summary, the available evidence is currently insufficient to determine the role of this variant in disease. Therefore, it has been classified as a Variant of Uncertain Significance. Advanced modeling of protein sequence and biophysical properties (such as structural, functional, and spatial information, amino acid conservation, physicochemical variation, residue mobility, and thermodynamic stability) performed at Invitae indicates that this missense variant is expected to disrupt EFHC1 protein function. ClinVar contains an entry for this variant (Variation ID: 846571). This variant has not been reported in the literature in individuals affected with EFHC1-related conditions. This variant is present in population databases (rs373625101, gnomAD 0.007%). This sequence change replaces arginine, which is basic and polar, with tryptophan, which is neutral and slightly polar, at codon 153 of the EFHC1 protein (p.Arg153Trp).